The following is an entry in ClinVar:

ClinVar aggregate classification (germline): Uncertain significance (1 of 4 stars; one submission).

gnomAD v4.1: 1 of 1,393,202 alleles (0.000072%); highest among the groups gnomAD compares: Non-Finnish European, 0.000092%; no homozygotes.

Submission:

Labcorp Genetics (formerly Invitae), Labcorp
Classification: Uncertain significance. Last evaluated: 2024-03-20. Review status: criteria provided, single submitter. Criteria: Invitae Variant Classification Sherloc (09022015). Collection method: clinical testing. Allele origin: germline.
Comment: This sequence change replaces glutamic acid, which is acidic and polar, with lysine, which is basic and polar, at codon 193 of the NEFH protein (p.Glu193Lys). This variant is not present in population databases (gnomAD no frequency). This variant has not been reported in the literature in individuals affected with NEFH-related conditions. Advanced modeling of protein sequence and biophysical properties (such as structural, functional, and spatial information, amino acid conservation, physicochemical variation, residue mobility, and thermodynamic stability) performed at Invitae indicates that this missense variant is not expected to disrupt NEFH protein function with a negative predictive value of 95%. In summary, the available evidence is currently insufficient to determine the role of this variant in disease. Therefore, it has been classified as a Variant of Uncertain Significance.

NM_021076.4(NEFH):c.577G>A (p.Glu193Lys)

Gene: NEFH (neurofilament heavy chain; plus strand). Cytogenetic location: 22q12.2.
Variant type: single nucleotide variant.
Coding change: c.577G>A on transcript NM_021076.4 (MANE Select); coding-DNA position 577, G replaced by A.
Protein change: p.Glu193Lys; replaces glutamic acid 193 with lysine.
Molecular consequence: missense variant.
Genome position (GRCh38, 1-based): chr22:29,480,839, G>A. VCF-style: chr22-29480839-G-A. GRCh37 (hg19) VCF-style: chr22-29876828-G-A.
Other names: short protein forms E193K.
Identifiers: ClinVar variation 3620860 (VCV003620860.2).